The following is an entry in ClinVar:

ClinVar aggregate classification (germline): Pathogenic (1 of 4 stars; one submission).

Conditions:
Epidermolysis bullosa simplex 5B, with muscular dystrophy (EBS5B). Also called: Epidermolysis bullosa simplex with muscular dystrophy; EPIDERMOLYSIS BULLOSA SIMPLEX AND LIMB-GIRDLE MUSCULAR DYSTROPHY. Identifiers: Orphanet 257, MedGen C2931072, MONDO:0009181, OMIM 226670.
Epidermolysis bullosa simplex 5C, with pyloric atresia (EBS5C). Also called: PLEC-Related Epidermolysis Bullosa with Pyloric Atresia; Epidermolysis bullosa simplex with pyloric atresia; PLEC1-Related Epidermolysis Bullosa with Pyloric Atresia. Identifiers: Orphanet 158684, MedGen C2677349, MONDO:0012807, OMIM 612138.
Epidermolysis bullosa simplex with nail dystrophy (EBS5D). Identifiers: MedGen C4225309, MONDO:0014661, OMIM 616487.
Epidermolysis bullosa simplex, Ogna type (EBS5A). Also called: Pidermolysis bullosa simplex 5A, Ogna type; EPIDERMOLYSIS BULLOSA SIMPLEX 5A, OGNA TYPE. Identifiers: Orphanet 79401, MedGen C0432317, MONDO:0007555, OMIM 131950.
Autosomal recessive limb-girdle muscular dystrophy type 2Q (LGMDR17). Also called: MUSCULAR DYSTROPHY, LIMB-GIRDLE, AUTOSOMAL RECESSIVE 17. Identifiers: Orphanet 254361, MedGen C3150989, MONDO:0013390, OMIM 613723.

Submission:

Labcorp Genetics (formerly Invitae), Labcorp
Classification: Pathogenic for Autosomal recessive limb-girdle muscular dystrophy type 2Q; Epidermolysis bullosa simplex, Ogna type; Epidermolysis bullosa simplex with nail dystrophy; Epidermolysis bullosa simplex 5C, with pyloric atresia; Epidermolysis bullosa simplex 5B, with muscular dystrophy. Last evaluated: 2022-05-28. Review status: criteria provided, single submitter. Criteria: Invitae Variant Classification Sherloc (09022015). Collection method: clinical testing. Allele origin: germline.
Comment: This variant is not present in population databases (gnomAD no frequency). This variant has not been reported in the literature in individuals affected with PLEC-related conditions. This variant disrupts a region of the PLEC protein in which other variant(s) (p.Lys4460*) have been determined to be pathogenic (PMID: 10652002). This suggests that this is a clinically significant region of the protein, and that variants that disrupt it are likely to be disease-causing. For these reasons, this variant has been classified as Pathogenic. This sequence change creates a premature translational stop signal (p.Glu2953Argfs*85) in the PLEC gene. While this is not anticipated to result in nonsense mediated decay, it is expected to disrupt the last 1622 amino acid(s) of the PLEC protein.

Literature cited by the submitters: PubMed 10652002.

NM_201384.3(PLEC):c.8776del (p.Glu2926fs)

Gene: PLEC (plectin; minus strand). Cytogenetic location: 8q24.3.
Variant type: Deletion.
Coding change: c.8776del on transcript NM_201384.3 (MANE Select); coding-DNA position 8776, one base deleted (G; older notation c.8776delG).
Protein change: p.Glu2926fs; shifts the reading frame from glutamic acid 2926.
Molecular consequence: frameshift variant.
Genome position (GRCh38, 1-based): chr8:143,921,045, C deleted on the plus strand (G on the coding strand, the reverse complement: PLEC is on the minus strand); the first of 3 consecutive C bases (chr8:143,921,045-143,921,047); deleting any one gives the same sequence. VCF-style (leftmost placement, unchanged base first): chr8-143921044-TC-T. GRCh37 (hg19) VCF-style: chr8-144995212-TC-T.
Other names: c.8857del, p.Glu2953fs (NM_000445.5); c.5474delG, p.Glu1826Argfs (NM_001410941.1); c.8734del, p.Glu2912fs (NM_201378.4); c.8710del, p.Glu2904fs (NM_201379.3); c.9187del, p.Glu3063fs (NM_201380.4); c.8680del, p.Glu2894fs (NM_201381.3); c.8776del, p.Glu2926fs (NM_201382.4); c.8788del, p.Glu2930fs (NM_201383.3); short protein forms E2953fs, E2904fs, E3063fs, E2894fs, E2912fs, E2926fs, E2930fs.
Identifiers: ClinVar variation 2000033 (VCV002000033.4), dbSNP rs2537433619, ClinGen allele CA2580078698.
Genomic context (GRCh38, chr8:143,921,044, plus strand): 5'-CGGAACTGCCGCAGCAGGTCCCGCCGCTGCTCTGCCGTGAAGTATTCCGAGTTGATGATC[TC>T]CCAAATGGTCACCGTCTTGCCCTGGAACTTGCCGAACGGCGCAGACACGGTGGCCTTCTC-3'